The following is an entry in ClinVar:

ClinVar aggregate classification (germline): Likely pathogenic (1 of 4 stars; one submission).

Conditions:
Glutathione synthetase deficiency with 5-oxoprolinuria. Also called: PYROGLUTAMIC ACIDURIA; 5-OXOPROLINURIA DUE TO GLUTATHIONE SYNTHETASE DEFICIENCY; Reduced glutathione synthetase level; 5-Oxoprolinuria; Gluthathione synthetase deficiency. Identifiers: Orphanet 289846, MedGen C0398746, MONDO:0009947, OMIM 266130, HP:0003343.

Submission:

Labcorp Genetics (formerly Invitae), Labcorp
Classification: Likely pathogenic for Glutathione synthetase deficiency with 5-oxoprolinuria. Last evaluated: 2025-08-06. Review status: criteria provided, single submitter. Criteria: Invitae Variant Classification Sherloc (09022015). Collection method: clinical testing. Allele origin: germline.
Comment: This sequence change affects an acceptor splice site in intron 9 of the GSS gene. It is expected to disrupt RNA splicing. Variants that disrupt the donor or acceptor splice site typically lead to a loss of protein function (PMID: 16199547), and loss-of-function variants in GSS are known to be pathogenic (PMID: 12638941, 15717202). This variant is not present in population databases (gnomAD no frequency). This variant has not been reported in the literature in individuals affected with GSS-related conditions. Algorithms developed to predict the effect of sequence changes on RNA splicing suggest that this variant may disrupt the consensus splice site. In summary, the currently available evidence indicates that the variant is pathogenic, but additional data are needed to prove that conclusively. Therefore, this variant has been classified as Likely Pathogenic.

Literature cited by the submitters: PubMed 16199547; PubMed 12638941; PubMed 15717202.

NM_000178.4(GSS):c.835-2A>G

Gene: GSS (glutathione synthetase; minus strand). Cytogenetic location: 20q11.22.
Variant type: single nucleotide variant.
Coding change: c.835-2A>G on transcript NM_000178.4 (MANE Select); the canonical splice acceptor site of the intron before coding-DNA position 835, A replaced by G.
Molecular consequence: splice acceptor variant.
Genome position (GRCh38, 1-based): chr20:34,932,135, T>C on the plus strand (A>G on the coding strand, the complement: GSS is on the minus strand). VCF-style: chr20-34932135-T-C. GRCh37 (hg19) VCF-style: chr20-33519938-T-C.
Other names: c.835-2A>G (NM_001322494.1, NM_001322495.1).
Identifiers: ClinVar variation 4775202 (VCV004775202.1).